The following is an entry in ClinVar:

ClinVar aggregate classification (germline): Likely benign. Review status: criteria provided, single submitter (1 of 4 stars). 2 submissions from 2 submitters: Likely benign (1). 1 of the submissions does not count toward it. Last evaluated 2026-01-25.

Conditions:
TAP1-related disorder. Also called: TAP1-related condition.
MHC class I deficiency. Identifiers: Orphanet 34592, MedGen C6024714, MONDO:0011476.

Allele frequency attached by ClinVar (database versions not stated): ExAC 0.00004; gnomAD exomes 0.00006 and 0.00023; gnomAD 0.00007; ESP Exome Variant Server 0.00008; TOPMed 0.00008.
gnomAD v4.1: 331 of 1,613,840 alleles (0.021%); highest among the groups gnomAD compares: Non-Finnish European, 0.027%; no homozygotes.

Submissions (2):

Labcorp Genetics (formerly Invitae), Labcorp
Classification: Likely benign for MHC class I deficiency 1. Last evaluated: 2026-01-25. Review status: criteria provided, single submitter. Criteria: Invitae Variant Classification Sherloc (09022015). Collection method: clinical testing. Allele origin: germline.

PreventionGenetics, part of Exact Sciences
Classification: Likely benign for TAP1-related condition. Last evaluated: 2019-06-12. Review status: no assertion criteria provided. Collection method: clinical testing. Allele origin: germline. Not counted in ClinVar's aggregate classification.
Comment: This variant is classified as likely benign based on ACMG/AMP sequence variant interpretation guidelines (Richards et al. 2015 PMID: 25741868, with internal and published modifications).

NM_000593.6(TAP1):c.1561C>T (p.Leu521=)

Gene: TAP1 (transporter 1, ATP binding cassette subfamily B member; minus strand). Cytogenetic location: 6p21.32.
Variant type: single nucleotide variant.
Coding change: c.1561C>T on transcript NM_000593.6 (MANE Select); coding-DNA position 1561, C replaced by T.
Protein change: p.Leu521=; no amino-acid change (leucine 521 retained).
Molecular consequence: synonymous variant.
Genome position (GRCh38, 1-based): chr6:32,848,657, G>A on the plus strand (C>T on the coding strand, the complement: TAP1 is on the minus strand). VCF-style: chr6-32848657-G-A. GRCh37 (hg19) VCF-style: chr6-32816434-G-A.
Other names: c.958C>T, p.Leu320= (NM_001292022.2); c.1741C>T (NM_000593.5).
Identifiers: ClinVar variation 1589883 (VCV001589883.10), dbSNP rs372643992, ClinGen allele CA3746757.